The following is an entry in ClinVar:

ClinVar aggregate classification (germline): Likely pathogenic (1 of 4 stars; one submission).

Submission:

Labcorp Genetics (formerly Invitae), Labcorp
Classification: Likely pathogenic. Last evaluated: 2021-05-07. Review status: criteria provided, single submitter. Criteria: Invitae Variant Classification Sherloc (09022015). Collection method: clinical testing. Allele origin: germline.
Comment: Algorithms developed to predict the effect of sequence changes on RNA splicing suggest that this variant may disrupt the consensus splice site, but this prediction has not been confirmed by published transcriptional studies. This variant has been observed in individual(s) with clinical features of Alport syndrome (Invitae). This variant is not present in population databases (ExAC no frequency). This sequence change affects an acceptor splice site in intron 28 of the COL4A3 gene. It is expected to disrupt RNA splicing. Variants that disrupt the donor or acceptor splice site typically lead to a loss of protein function (PMID: 16199547), and loss-of-function variants in COL4A3 are known to be pathogenic (PMID: 8956999, 24854265, 26809805, 27281700). In summary, the currently available evidence indicates that the variant is pathogenic, but additional data are needed to prove that conclusively. Therefore, this variant has been classified as Likely Pathogenic.

Literature cited by the submitters: PubMed 16199547; PubMed 8956999; PubMed 24854265; PubMed 26809805; PubMed 27281700.

NM_000091.5(COL4A3):c.2126-1G>A

Genes: COL4A3 (collagen type IV alpha 3 chain; plus strand), MFF-DT (MFF divergent transcript; minus strand). Cytogenetic location: 2q36.3.
Variant type: single nucleotide variant.
Coding change: c.2126-1G>A on transcript NM_000091.5 (MANE Select); the canonical splice acceptor site of the intron before coding-DNA position 2126, G replaced by A.
Molecular consequence: splice acceptor variant.
Genome position (GRCh38, 1-based): chr2:227,279,792, G>A. VCF-style: chr2-227279792-G-A. GRCh37 (hg19) VCF-style: chr2-228144508-G-A.
Identifiers: ClinVar variation 1490254 (VCV001490254.8), dbSNP rs2071831565, ClinGen allele CA350847415.